The following is an entry in ClinVar:

ClinVar aggregate classification (germline): Uncertain significance (1 of 4 stars; one submission).

Submission:

CeGaT Center for Human Genetics Tuebingen
Classification: Uncertain significance. Last evaluated: 2024-07-01. Review status: criteria provided, single submitter. Criteria: CeGaT Center For Human Genetics Tuebingen Variant Classification Criteria Version 2. Collection method: clinical testing. Allele origin: germline. Affected: yes. Observed: 1 variant allele.
Comment: KIF1A: PM2

NM_001244008.2(KIF1A):c.4043C>T (p.Ser1348Phe)

Gene: KIF1A (kinesin family member 1A; minus strand). Cytogenetic location: 2q37.3.
Variant type: single nucleotide variant.
Coding change: c.4043C>T on transcript NM_001244008.2 (MANE Select); coding-DNA position 4043, C replaced by T.
Protein change: p.Ser1348Phe; replaces serine 1348 with phenylalanine.
Molecular consequence: missense variant.
Genome position (GRCh38, 1-based): chr2:240,726,905, G>A on the plus strand (C>T on the coding strand, the complement: KIF1A is on the minus strand). VCF-style: chr2-240726905-G-A. GRCh37 (hg19) VCF-style: chr2-241666322-G-A.
Other names: c.3767C>T, p.Ser1256Phe (NM_001320705.2, NM_001379649.1); c.3794C>T, p.Ser1265Phe (NM_001330289.2); c.3842C>T, p.Ser1281Phe (NM_001330290.2, NM_001379648.1); c.4118C>T, p.Ser1373Phe (NM_001379631.1); c.4019C>T, p.Ser1340Phe (NM_001379632.1); c.4016C>T, p.Ser1339Phe (NM_001379633.1, NM_001379645.1); c.3869C>T, p.Ser1290Phe (NM_001379634.1); c.3866C>T, p.Ser1289Phe (NM_001379635.1, NM_001379646.1); and 7 more; short protein forms S1246F, S1247F, S1255F, S1256F, S1264F, S1265F, S1272F, S1281F.
Identifiers: ClinVar variation 3342016 (VCV003342016.16).